The following is an entry in ClinVar:

NM_000944.5(PPP3CA):c.58+6C>T

Gene: PPP3CA (protein phosphatase 3 catalytic subunit alpha; minus strand). Cytogenetic location: 4q24.
Variant type: single nucleotide variant.
Coding change: c.58+6C>T on transcript NM_000944.5 (MANE Select); 6 bases into the intron after coding-DNA position 58, C replaced by T.
Molecular consequence: intron variant.
Genome position (GRCh38, 1-based): chr4:101,346,733, G>A on the plus strand (C>T on the coding strand, the complement: PPP3CA is on the minus strand). VCF-style: chr4-101346733-G-A. GRCh37 (hg19) VCF-style: chr4-102267890-G-A.
Other names: c.58+6C>T (NM_001130692.2, NM_001130691.2).
Identifiers: ClinVar variation 2852126 (VCV002852126.3), dbSNP rs1307664307, ClinGen allele CA553696177.
Genomic context (GRCh38, chr4:101,346,733, plus strand): 5'-GCGAGGCAAGCTGCCCTGGCGCCTGCGGCACACGGTGCACCCAGGCCACCGCGGCGCTCC[G>A]CTTACCTTTCACCACCCTGTCGGTCGTCGACAACTTGGGATCAATTGCCTTGGGCTCGGA-3'

ClinVar aggregate classification (germline): Uncertain significance (1 of 4 stars; one submission).

Allele frequency attached by ClinVar (database versions not stated): gnomAD exomes below 0.00001.
gnomAD v4.1: 2 of 1,610,354 alleles (0.00012%); highest among the groups gnomAD compares: Admixed American, 0.0017%; no homozygotes.

Submission:

Labcorp Genetics (formerly Invitae), Labcorp
Classification: Uncertain significance. Last evaluated: 2023-10-16. Review status: criteria provided, single submitter. Criteria: Invitae Variant Classification Sherloc (09022015). Collection method: clinical testing. Allele origin: germline.
Comment: This sequence change falls in intron 1 of the PPP3CA gene. It does not directly change the encoded amino acid sequence of the PPP3CA protein. It affects a nucleotide within the consensus splice site. The frequency data for this variant in the population databases is considered unreliable, as metrics indicate poor data quality at this position in the gnomAD database. This variant has not been reported in the literature in individuals affected with PPP3CA-related conditions. Variants that disrupt the consensus splice site are a relatively common cause of aberrant splicing (PMID: 17576681, 9536098). Algorithms developed to predict the effect of sequence changes on RNA splicing suggest that this variant is not likely to affect RNA splicing. In summary, the available evidence is currently insufficient to determine the role of this variant in disease. Therefore, it has been classified as a Variant of Uncertain Significance.

Literature cited by the submitters: PubMed 17576681; PubMed 9536098.